The following is an entry in ClinVar:

NM_144666.3(DNHD1):c.3087C>T (p.Ser1029=)

Gene: DNHD1 (dynein heavy chain domain 1; plus strand). Cytogenetic location: 11p15.4.
Variant type: single nucleotide variant.
Coding change: c.3087C>T on transcript NM_144666.3 (MANE Select); coding-DNA position 3087, C replaced by T.
Protein change: p.Ser1029=; no amino-acid change (serine 1029 retained).
Molecular consequence: synonymous variant.
Genome position (GRCh38, 1-based): chr11:6,538,471, C>T. VCF-style: chr11-6538471-C-T. GRCh37 (hg19) VCF-style: chr11-6559701-C-T.
Identifiers: ClinVar variation 3038633 (VCV003038633.2), dbSNP rs149096875, ClinGen allele CA5855858.

ClinVar aggregate classification (germline): Likely benign (0 of 4 stars; one submission).

Conditions:
DNHD1-related disorder. Also called: DNHD1-related condition.

Allele frequency attached by ClinVar (database versions not stated): TOPMed 0.00019; gnomAD 0.00031; gnomAD exomes 0.00036; 1000 Genomes Project 0.00140; 1000 Genomes Project 30x 0.00187; ExAC 0.00217.
gnomAD v4.1: 593 of 1,551,784 alleles (0.038%); highest among the groups gnomAD compares: South Asian, 0.42%; 9 homozygotes.

Submission:

PreventionGenetics, part of Exact Sciences
Classification: Likely benign for DNHD1-related condition. Last evaluated: 2019-05-28. Review status: no assertion criteria provided. Collection method: clinical testing. Allele origin: germline.
Comment: This variant is classified as likely benign based on ACMG/AMP sequence variant interpretation guidelines (Richards et al. 2015 PMID: 25741868, with internal and published modifications).